The following is an entry in ClinVar:

NM_000051.4(ATM):c.1803-1G>C

Gene: ATM (ATM serine/threonine kinase; plus strand). Cytogenetic location: 11q22.3.
Variant type: single nucleotide variant.
Coding change: c.1803-1G>C on transcript NM_000051.4 (MANE Select); the canonical splice acceptor site of the intron before coding-DNA position 1803, G replaced by C.
Molecular consequence: splice acceptor variant.
Genome position (GRCh38, 1-based): chr11:108,252,816, G>C. VCF-style: chr11-108252816-G-C. GRCh37 (hg19) VCF-style: chr11-108123543-G-C.
Other names: c.1803-1G>C (NM_001351834.2).
Identifiers: ClinVar variation 2674537 (VCV002674537.1), dbSNP rs2135352415, ClinGen allele CA382535670.
Genomic context (GRCh38, chr11:108,252,816, plus strand): 5'-TTAAAGTATTCTTTACATGGCTTTTGGTCTTCTAAGTGAAGCTTTTTGTTTTTCTTTGTA[G>C]TAATTTTCCTCATCTTGTACTGGAGAAAATTCTTGTGAGTCTCACTATGAAAAACTGTAA-3'

ClinVar aggregate classification (germline): Likely pathogenic (1 of 4 stars; one submission).

Conditions:
Familial cancer of breast. Also called: Hereditary breast cancer; BREAST CANCER, FAMILIAL; hereditary breast carcinoma. Identifiers: Orphanet 227535, MedGen C0346153, MONDO:0016419, OMIM 114480. Disease mechanism: loss of function.

Submission:

Myriad Genetics, Inc.
Classification: Likely pathogenic for Familial cancer of breast. Last evaluated: 2023-08-02. Review status: criteria provided, single submitter. Criteria: Myriad Autosomal Dominant, Autosomal Recessive and X-Linked Classification Criteria (2023). Collection method: clinical testing. Allele origin: unknown.
Comment: This variant is considered likely pathogenic. This variant occurs within a consensus splice junction and is predicted to result in abnormal mRNA splicing of either an out-of-frame exon or an in-frame exon necessary for protein stability and/or normal function.